The following is an entry in ClinVar:

ClinVar aggregate classification (germline): Uncertain significance. Review status: criteria provided, multiple submitters, no conflicts (2 of 4 stars). 2 submissions from 2 submitters: Uncertain significance (2). Last evaluated 2025-08-15.

Conditions:
Inborn genetic diseases. Identifiers: MedGen C0950123, MeSH D030342.
FHOD3-related disorder. Also called: FHOD3-related condition.

Allele frequency attached by ClinVar (database versions not stated): gnomAD exomes below 0.00001; gnomAD 0.00002.
gnomAD v4.1: 5 of 1,603,290 alleles (0.00031%); highest among the groups gnomAD compares: Non-Finnish European, 0.00043%; no homozygotes.

Submissions (2):

PreventionGenetics, part of Exact Sciences
Classification: Uncertain significance for FHOD3-related condition. Last evaluated: 2025-08-15. Review status: criteria provided, single submitter. Criteria: ACMG Guidelines, 2015. Collection method: clinical testing. Allele origin: germline.
Comment: The FHOD3 c.2744A>G variant is predicted to result in the amino acid substitution p.Asn915Ser. To our knowledge, this variant has not been reported in the literature. This variant is reported in 0.013% of alleles in individuals of European (Non-Finnish) descent in gnomAD, which may be too common to be an undocumented cause of disease. Although we suspect this variant may be benign, at this time, the clinical significance of this variant is uncertain due to the absence of conclusive functional and genetic evidence.

Ambry Genetics
Classification: Uncertain significance for Inborn genetic diseases. Last evaluated: 2023-09-26. Review status: criteria provided, single submitter. Criteria: Ambry Variant Classification Scheme 2023. Collection method: clinical testing. Allele origin: germline.

NM_001281740.3(FHOD3):c.2744A>G (p.Asn915Ser)

Gene: FHOD3 (formin homology 2 domain containing 3; plus strand). Cytogenetic location: 18q12.2.
Variant type: single nucleotide variant.
Coding change: c.2744A>G on transcript NM_001281740.3 (MANE Select); coding-DNA position 2744, A replaced by G.
Protein change: p.Asn915Ser; replaces asparagine 915 with serine.
Molecular consequence: missense variant.
Genome position (GRCh38, 1-based): chr18:36,718,042, A>G. VCF-style: chr18-36718042-A-G. GRCh37 (hg19) VCF-style: chr18-34298005-A-G.
Other names: c.2744A>G (NM_001281740.2); c.2168A>G, p.Asn723Ser (NM_001281739.3); c.2219A>G, p.Asn740Ser (NM_025135.5); short protein forms N723S, N915S, N740S.
Identifiers: ClinVar variation 3095138 (VCV003095138.2), dbSNP rs1328734133, ClinGen allele CA402211848.